The following is an entry in ClinVar:

NM_080680.3(COL11A2):c.125C>G (p.Ser42Cys)

Gene: COL11A2 (collagen type XI alpha 2 chain; minus strand). Cytogenetic location: 6p21.32.
Variant type: single nucleotide variant.
Coding change: c.125C>G on transcript NM_080680.3 (MANE Select); coding-DNA position 125, C replaced by G.
Protein change: p.Ser42Cys; replaces serine 42 with cysteine.
Molecular consequence: missense variant.
Genome position (GRCh38, 1-based): chr6:33,189,427, G>C on the plus strand (C>G on the coding strand, the complement: COL11A2 is on the minus strand). VCF-style: chr6-33189427-G-C. GRCh37 (hg19) VCF-style: chr6-33157204-G-C.
Other names: c.125C>G, p.Ser42Cys (NM_001163771.2, NM_080679.3, NM_080681.3); short protein forms S42C.
Identifiers: ClinVar variation 1518624 (VCV001518624.6), dbSNP rs2150625417, ClinGen allele CA363613382.

ClinVar aggregate classification (germline): Uncertain significance (1 of 4 stars; one submission).

gnomAD v4.1: 1 of 1,613,128 alleles (0.000062%); highest among the groups gnomAD compares: Non-Finnish European, 0.000085%; no homozygotes.

Submission:

Labcorp Genetics (formerly Invitae), Labcorp
Classification: Uncertain significance. Last evaluated: 2022-08-31. Review status: criteria provided, single submitter. Criteria: Invitae Variant Classification Sherloc (09022015). Collection method: clinical testing. Allele origin: germline.
Comment: This variant has not been reported in the literature in individuals affected with COL11A2-related conditions. In summary, the available evidence is currently insufficient to determine the role of this variant in disease. Therefore, it has been classified as a Variant of Uncertain Significance. Advanced modeling of protein sequence and biophysical properties (such as structural, functional, and spatial information, amino acid conservation, physicochemical variation, residue mobility, and thermodynamic stability) performed at Invitae indicates that this missense variant is not expected to disrupt COL11A2 protein function. ClinVar contains an entry for this variant (Variation ID: 1518624). This variant is not present in population databases (gnomAD no frequency). This sequence change replaces serine, which is neutral and polar, with cysteine, which is neutral and slightly polar, at codon 42 of the COL11A2 protein (p.Ser42Cys).